The following is an entry in ClinVar:

ClinVar aggregate classification (germline): Likely benign. Review status: criteria provided, multiple submitters, no conflicts (2 of 4 stars). 2 submissions from 2 submitters: Likely benign (2). Last evaluated 2025-03-19.

Conditions:
Juvenile polyposis/hereditary hemorrhagic telangiectasia syndrome (JPHT). Also called: JP/HHT SYNDROME; JUVENILE POLYPOSIS WITH HEREDITARY HEMORRHAGIC TELANGIECTASIA; POLYPOSIS, GENERALIZED JUVENILE, WITH PULMONARY ARTERIOVENOUS MALFORMATION; TELANGIECTASIA, HEREDITARY HEMORRHAGIC, WITH JUVENILE POLYPOSIS COLI; Juvenile Polyposis Syndrome / Hereditary Hemorrhagic Telangiectasia (JPS/HHT). Identifiers: Orphanet 2929, MedGen C1832942, MONDO:0008278, OMIM 175050.
Juvenile polyposis syndrome (JPS). Identifiers: Orphanet 2929, MedGen C0345893, MONDO:0017380, OMIM 174900.

Submissions (2):

Myriad Genetics, Inc.
Classification: Likely benign for Juvenile polyposis/hereditary hemorrhagic telangiectasia syndrome. Last evaluated: 2025-03-19. Review status: criteria provided, single submitter. Criteria: Myriad Autosomal Dominant, Autosomal Recessive and X-Linked Classification Criteria (2023). Collection method: clinical testing. Allele origin: unknown.
Comment: This variant is considered likely benign. This variant is intronic and is not expected to impact mRNA splicing.

Labcorp Genetics (formerly Invitae), Labcorp
Classification: Likely benign for Juvenile polyposis syndrome. Last evaluated: 2022-05-04. Review status: criteria provided, single submitter. Criteria: Invitae Variant Classification Sherloc (09022015). Collection method: clinical testing. Allele origin: germline.

NM_005359.6(SMAD4):c.424+9A>C

Gene: SMAD4 (SMAD family member 4; plus strand). Cytogenetic location: 18q21.2.
Variant type: single nucleotide variant.
Coding change: c.424+9A>C on transcript NM_005359.6 (MANE Select); 9 bases into the intron after coding-DNA position 424, A replaced by C.
Molecular consequence: intron variant.
Genome position (GRCh38, 1-based): chr18:51,048,869, A>C. VCF-style: chr18-51048869-A-C. GRCh37 (hg19) VCF-style: chr18-48575239-A-C.
Identifiers: ClinVar variation 2133846 (VCV002133846.5), dbSNP rs2144406415, ClinGen allele CA2580095877.